The following is an entry in ClinVar:

NM_015937.6(PIGT):c.1597T>G (p.Cys533Gly)

Gene: PIGT (phosphatidylinositol glycan anchor biosynthesis class T; plus strand). Cytogenetic location: 20q13.12.
Variant type: single nucleotide variant.
Coding change: c.1597T>G on transcript NM_015937.6 (MANE Select); coding-DNA position 1597, T replaced by G.
Protein change: p.Cys533Gly; replaces cysteine 533 with glycine.
Molecular consequence: missense variant. On other transcripts: non-coding transcript variant (5).
Genome position (GRCh38, 1-based): chr20:45,425,686, T>G. VCF-style: chr20-45425686-T-G. GRCh37 (hg19) VCF-style: chr20-44054326-T-G.
Other names: c.1429T>G, p.Cys477Gly (NM_001184728.3); c.1396T>G, p.Cys466Gly (NM_001184729.3); c.1291T>G, p.Cys431Gly (NM_001184730.3); short protein forms C431G, C466G, C477G, C533G.
Identifiers: ClinVar variation 1026040 (VCV001026040.9), dbSNP rs368489270, ClinGen allele CA9878329.
Genomic context (GRCh38, chr20:45,425,686, plus strand): 5'-CTGCTGGTGAACCTGCCGACACCGGACTTCAGCATGCCCTACAACGTGATCTGCCTCACG[T>G]GCACTGTGGTGGCCGTGTGCTATGGCTCCTTCTACAATCTCCTCACCCGAACCTTCCACA-3'
Protein context (NP_057021.2, residues 523-543): SMPYNVICLT[Cys533Gly]TVVAVCYGSF

ClinVar aggregate classification (germline): Uncertain significance (1 of 4 stars; one submission).

Conditions:
Multiple congenital anomalies-hypotonia-seizures syndrome 3 (MCAHS3). Also called: GLYCOSYLPHOSPHATIDYLINOSITOL BIOSYNTHESIS DEFECT 7. Identifiers: Orphanet 369837, MedGen C3809356, MONDO:0014165, OMIM 615398.

Allele frequency attached by ClinVar (database versions not stated): ExAC 0.00002; gnomAD exomes 0.00004 and 0.00006; gnomAD 0.00008 and 0.00009; TOPMed 0.00008; ESP Exome Variant Server 0.00015.
gnomAD v4.1: 99 of 1,614,020 alleles (0.0061%); highest among the groups gnomAD compares: Non-Finnish European, 0.0079%; no homozygotes.

Submission:

Labcorp Genetics (formerly Invitae), Labcorp
Classification: Uncertain significance for Multiple congenital anomalies-hypotonia-seizures syndrome 3. Last evaluated: 2022-03-11. Review status: criteria provided, single submitter. Criteria: Invitae Variant Classification Sherloc (09022015). Collection method: clinical testing. Allele origin: germline.
Comment: In summary, the available evidence is currently insufficient to determine the role of this variant in disease. Therefore, it has been classified as a Variant of Uncertain Significance. Algorithms developed to predict the effect of missense changes on protein structure and function are either unavailable or do not agree on the potential impact of this missense change (SIFT: "Tolerated"; PolyPhen-2: "Probably Damaging"; Align-GVGD: "Class C0"). ClinVar contains an entry for this variant (Variation ID: 1026040). This variant has not been reported in the literature in individuals affected with PIGT-related conditions. This variant is present in population databases (rs368489270, gnomAD 0.006%). This sequence change replaces cysteine, which is neutral and slightly polar, with glycine, which is neutral and non-polar, at codon 533 of the PIGT protein (p.Cys533Gly).